The following is an entry in ClinVar:

NM_016222.4(DDX41):c.1322A>G (p.Lys441Arg)

Gene: DDX41 (DEAD-box helicase 41; minus strand). Cytogenetic location: 5q35.3.
Variant type: single nucleotide variant.
Coding change: c.1322A>G on transcript NM_016222.4 (MANE Select); coding-DNA position 1322, A replaced by G.
Protein change: p.Lys441Arg; replaces lysine 441 with arginine.
Molecular consequence: missense variant.
Genome position (GRCh38, 1-based): chr5:177,512,857, T>C on the plus strand (A>G on the coding strand, the complement: DDX41 is on the minus strand). VCF-style: chr5-177512857-T-C. GRCh37 (hg19) VCF-style: chr5-176939858-T-C.
Other names: c.944A>G, p.Lys315Arg (NM_001321732.2, NM_001321830.2); short protein forms K315R, K441R.
Identifiers: ClinVar variation 3500539 (VCV003500539.1).

ClinVar aggregate classification (germline): Uncertain significance (1 of 4 stars; one submission).

Conditions:
Inborn genetic diseases. Identifiers: MedGen C0950123, MeSH D030342.

gnomAD v4.1: 1 of 1,613,944 alleles (0.000062%); highest among the groups gnomAD compares: Non-Finnish European, 0.000085%; no homozygotes.

Submission:

Ambry Genetics
Classification: Uncertain significance for Inborn genetic diseases. Last evaluated: 2024-11-28. Review status: criteria provided, single submitter. Criteria: Ambry Variant Classification Scheme 2023. Collection method: clinical testing. Allele origin: germline.
Comment: The p.K441R variant (also known as c.1322A>G), located in coding exon 13 of the DDX41 gene, results from an A to G substitution at nucleotide position 1322. The lysine at codon 441 is replaced by arginine, an amino acid with highly similar properties. This amino acid position is conserved. In addition, this alteration is predicted to be deleterious by in silico analysis. Based on the available evidence, the clinical significance of this variant remains unclear.